The following is an entry in ClinVar:

NM_022124.6(CDH23):c.826G>A (p.Val276Ile)

Gene: CDH23 (cadherin related 23; plus strand). Cytogenetic location: 10q22.1.
Variant type: single nucleotide variant.
Coding change: c.826G>A on transcript NM_022124.6 (MANE Select); coding-DNA position 826, G replaced by A.
Protein change: p.Val276Ile; replaces valine 276 with isoleucine.
Molecular consequence: missense variant.
Genome position (GRCh38, 1-based): chr10:71,577,986, G>A. VCF-style: chr10-71577986-G-A. GRCh37 (hg19) VCF-style: chr10-73337743-G-A.
Other names: c.826G>A, p.Val276Ile (NM_001171930.2, NM_001171931.2, NM_001171932.2 and 1 more transcripts); c.826G>A (NM_022124.5); short protein forms V276I.
Identifiers: ClinVar variation 2179794 (VCV002179794.4), dbSNP rs559734973, ClinGen allele CA5543559.
Genomic context (GRCh38, chr10:71,577,986, plus strand): 5'-CGCATCATCACCGCCATAGACCAGGATAAAGGACGTCCCCGGGGCATTGGCTACACCATC[G>A]TTTCAGGTAAGACAGAAGGCTGCCCCTCTCTCCTCTCACCCCTCTGTCCTCCACCCAAGG-3'
Protein context (NP_071407.4, residues 266-286): GRPRGIGYTI[Val276Ile]SGNTNSIFAL

ClinVar aggregate classification (germline): Uncertain significance. Review status: criteria provided, multiple submitters, no conflicts (2 of 4 stars). 4 submissions from 4 submitters: Uncertain significance (4). Last evaluated 2026-08-06.

Conditions:
CDH23-related disorder. Also called: CDH23-related disorders; CDH23-related condition.
Inborn genetic diseases. Identifiers: MedGen C0950123, MeSH D030342.

Allele frequency attached by ClinVar (database versions not stated): gnomAD 0.00002; ExAC 0.00008; gnomAD exomes 0.00001; TOPMed 0.00001; 1000 Genomes Project 0.00020; 1000 Genomes Project 30x 0.00031.
gnomAD v4.1: 17 of 1,598,222 alleles (0.0011%); highest among the groups gnomAD compares: East Asian, 0.016%; no homozygotes.

Submissions (4):

PreventionGenetics, part of Exact Sciences
Classification: Uncertain significance for CDH23-related condition. Last evaluated: 2026-08-06. Review status: criteria provided, single submitter. Criteria: ACMG Guidelines, 2015. Collection method: clinical testing. Allele origin: germline.
Comment: The CDH23 c.826G>A variant is predicted to result in the amino acid substitution p.Val276Ile. To our knowledge, this variant has not been reported in the literature. This variant is reported in 0.028% of alleles in individuals of East Asian descent in gnomAD. At this time, the clinical significance of this variant is uncertain due to the absence of conclusive functional and genetic evidence.

Ambry Genetics
Classification: Uncertain significance for Inborn genetic diseases. Last evaluated: 2025-08-30. Review status: criteria provided, single submitter. Criteria: Ambry Variant Classification Scheme 2023. Collection method: clinical testing. Allele origin: germline.

Blueprint Genetics
Classification: Uncertain significance. Last evaluated: 2023-06-14. Review status: criteria provided, single submitter. Criteria: ACMG Guidelines, 2015. Collection method: clinical testing. Allele origin: germline.

Labcorp Genetics (formerly Invitae), Labcorp
Classification: Uncertain significance. Last evaluated: 2022-02-24. Review status: criteria provided, single submitter. Criteria: Invitae Variant Classification Sherloc (09022015). Collection method: clinical testing. Allele origin: germline.
Comment: This sequence change replaces valine, which is neutral and non-polar, with isoleucine, which is neutral and non-polar, at codon 276 of the CDH23 protein (p.Val276Ile). This variant is present in population databases (rs559734973, gnomAD 0.03%). This variant has not been reported in the literature in individuals affected with CDH23-related conditions. Algorithms developed to predict the effect of missense changes on protein structure and function output the following: SIFT: "Deleterious"; PolyPhen-2: "Not Available"; Align-GVGD: "Class C25". The isoleucine amino acid residue is found in multiple mammalian species, which suggests that this missense change does not adversely affect protein function. In summary, the available evidence is currently insufficient to determine the role of this variant in disease. Therefore, it has been classified as a Variant of Uncertain Significance.